The following is an entry in ClinVar:

NM_001077446.4(TSEN34):c.5T>C (p.Leu2Pro)

Gene: TSEN34 (tRNA splicing endonuclease subunit 34; plus strand). Cytogenetic location: 19q13.42.
Variant type: single nucleotide variant.
Coding change: c.5T>C on transcript NM_001077446.4 (MANE Select); coding-DNA position 5, T replaced by C.
Protein change: p.Leu2Pro; replaces leucine 2 with proline.
Molecular consequence: missense variant.
Genome position (GRCh38, 1-based): chr19:54,191,369, T>C. VCF-style: chr19-54191369-T-C. GRCh37 (hg19) VCF-style: chr19-54695220-T-C.
Other names: c.5T>C, p.Leu2Pro (NM_001282332.2, NM_001282333.2, NM_001386740.1 and 1 more transcripts); short protein forms L2P.
Identifiers: ClinVar variation 330123 (VCV000330123.8), dbSNP rs778510316, ClinGen allele CA309372643.

ClinVar aggregate classification (germline): Uncertain significance. Review status: criteria provided, multiple submitters, no conflicts (2 of 4 stars). 2 submissions from 2 submitters: Uncertain significance (2). Last evaluated 2025-02-19.

Conditions:
Pontoneocerebellar hypoplasia. Also called: Non-syndromic pontocerebellar hypoplasia; Pontocerebellar hypoplasia. Identifiers: Orphanet 98523, MedGen C1261175, MONDO:0020135.

Allele frequency attached by ClinVar (database versions not stated): gnomAD exomes 0.00002 and 0.00006; gnomAD 0.00003 and 0.00005; ExAC 0.00007; TOPMed 0.00007.
gnomAD v4.1: 37 of 1,549,938 alleles (0.0024%); highest among the groups gnomAD compares: Admixed American, 0.027%; no homozygotes.

Submissions (2):

Labcorp Genetics (formerly Invitae), Labcorp
Classification: Uncertain significance. Last evaluated: 2025-02-19. Review status: criteria provided, single submitter. Criteria: Invitae Variant Classification Sherloc (09022015). Collection method: clinical testing. Allele origin: germline.
Comment: This sequence change replaces leucine, which is neutral and non-polar, with proline, which is neutral and non-polar, at codon 2 of the TSEN34 protein (p.Leu2Pro). This variant is present in population databases (rs778510316, gnomAD 0.03%). This variant has not been reported in the literature in individuals affected with TSEN34-related conditions. ClinVar contains an entry for this variant (Variation ID: 330123). An algorithm developed to predict the effect of missense changes on protein structure and function (PolyPhen-2) suggests that this variant is likely to be disruptive. In summary, the available evidence is currently insufficient to determine the role of this variant in disease. Therefore, it has been classified as a Variant of Uncertain Significance.

Illumina Laboratory Services, Illumina
Classification: Uncertain significance for Pontoneocerebellar hypoplasia. Last evaluated: 2018-01-13. Review status: criteria provided, single submitter. Criteria: ICSL Variant Classification Criteria 13 December 2019. Collection method: clinical testing. Allele origin: germline.